The following is an entry in ClinVar:

NM_000465.4(BARD1):c.58C>T (p.Pro20Ser)

Gene: BARD1 (BRCA1 associated RING domain 1; minus strand). Cytogenetic location: 2q35.
Variant type: single nucleotide variant.
Coding change: c.58C>T on transcript NM_000465.4 (MANE Select); coding-DNA position 58, C replaced by T.
Protein change: p.Pro20Ser; replaces proline 20 with serine.
Molecular consequence: missense variant. On other transcripts: non-coding transcript variant (3).
Genome position (GRCh38, 1-based): chr2:214,809,512, G>A on the plus strand (C>T on the coding strand, the complement: BARD1 is on the minus strand). VCF-style: chr2-214809512-G-A. GRCh37 (hg19) VCF-style: chr2-215674236-G-A.
Other names: c.58C>T, p.Pro20Ser (NM_001282543.2, NM_001282545.2, NM_001282548.2 and 1 more transcripts); short protein forms P20S.
Identifiers: ClinVar variation 640241 (VCV000640241.9), dbSNP rs1326795982, ClinGen allele CA350465225.

ClinVar aggregate classification (germline): Uncertain significance (1 of 4 stars; one submission).

Conditions:
Familial cancer of breast. Also called: BREAST CANCER, FAMILIAL; hereditary breast carcinoma; Hereditary breast cancer. Identifiers: Orphanet 227535, MedGen C0346153, MONDO:0016419, OMIM 114480. Disease mechanism: loss of function.

Submission:

Labcorp Genetics (formerly Invitae), Labcorp
Classification: Uncertain significance for Familial cancer of breast. Last evaluated: 2021-02-12. Review status: criteria provided, single submitter. Criteria: Invitae Variant Classification Sherloc (09022015). Collection method: clinical testing. Allele origin: germline.
Comment: This sequence change replaces proline with serine at codon 20 of the BARD1 protein (p.Pro20Ser). The proline residue is moderately conserved and there is a moderate physicochemical difference between proline and serine. This variant is not present in population databases (ExAC no frequency). This variant has not been reported in the literature in individuals with BARD1-related disease. Algorithms developed to predict the effect of missense changes on protein structure and function output the following: SIFT: "Deleterious"; PolyPhen-2: "Benign"; Align-GVGD: "Class C0". The serine amino acid residue is found in multiple mammalian species, suggesting that this missense change does not adversely affect protein function. These predictions have not been confirmed by published functional studies and their clinical significance is uncertain. In summary, the available evidence is currently insufficient to determine the role of this variant in disease. Therefore, it has been classified as a Variant of Uncertain Significance.